The following is an entry in ClinVar:

ClinVar aggregate classification (germline): Uncertain significance. Review status: criteria provided, multiple submitters, no conflicts (2 of 4 stars). 2 submissions from 2 submitters: Uncertain significance (2). Last evaluated 2025-07-07.

Conditions:
Hajdu-Cheney syndrome (HJCYS). Also called: Acroosteolysis dominant type; SERPENTINE FIBULA-POLYCYSTIC KIDNEY SYNDROME; ACROOSTEOLYSIS WITH OSTEOPOROSIS AND CHANGES IN SKULL AND MANDIBLE. Identifiers: Orphanet 955, MedGen C0917715, MONDO:0007057, OMIM 102500.
Alagille syndrome due to a NOTCH2 point mutation. Also called: Alagille syndrome 2. Identifiers: Orphanet 261629, Orphanet 52, MedGen C1857761, MONDO:0012439, OMIM 610205.

Allele frequency attached by ClinVar (database versions not stated): TOPMed below 0.00001.
gnomAD v4.1: 2 of 1,614,016 alleles (0.00012%); highest among the groups gnomAD compares: East Asian, 0.0022%; no homozygotes.

Submissions (2):

Labcorp Genetics (formerly Invitae), Labcorp
Classification: Uncertain significance for Hajdu-Cheney syndrome. Last evaluated: 2025-07-07. Review status: criteria provided, single submitter. Criteria: Invitae Variant Classification Sherloc (09022015). Collection method: clinical testing. Allele origin: germline.
Comment: This sequence change replaces arginine, which is basic and polar, with glycine, which is neutral and non-polar, at codon 2019 of the NOTCH2 protein (p.Arg2019Gly). This variant is present in population databases (no rsID available, gnomAD 0.006%). This variant has not been reported in the literature in individuals affected with NOTCH2-related conditions. ClinVar contains an entry for this variant (Variation ID: 1490219). Invitae Evidence Modeling of protein sequence and biophysical properties (such as structural, functional, and spatial information, amino acid conservation, physicochemical variation, residue mobility, and thermodynamic stability) has been performed for this missense variant. However, the output from this modeling did not meet the statistical confidence thresholds required to predict the impact of this variant on NOTCH2 protein function. In summary, the available evidence is currently insufficient to determine the role of this variant in disease. Therefore, it has been classified as a Variant of Uncertain Significance.

Fulgent Genetics
Classification: Uncertain significance for Hajdu-Cheney syndrome; Alagille syndrome due to a NOTCH2 point mutation. Last evaluated: 2021-11-22. Review status: criteria provided, single submitter. Criteria: ACMG Guidelines, 2015. Collection method: clinical testing. Allele origin: unknown.

NM_024408.4(NOTCH2):c.6055C>G (p.Arg2019Gly)

Gene: NOTCH2 (notch receptor 2; minus strand). Cytogenetic location: 1p12.
Variant type: single nucleotide variant.
Coding change: c.6055C>G on transcript NM_024408.4 (MANE Select); coding-DNA position 6055, C replaced by G.
Protein change: p.Arg2019Gly; replaces arginine 2019 with glycine.
Molecular consequence: missense variant.
Genome position (GRCh38, 1-based): chr1:119,916,667, G>C on the plus strand (C>G on the coding strand, the complement: NOTCH2 is on the minus strand). VCF-style: chr1-119916667-G-C. GRCh37 (hg19) VCF-style: chr1-120459290-G-C.
Other names: short protein forms R2019G.
Identifiers: ClinVar variation 1490219 (VCV001490219.7), dbSNP rs1430961661, ClinGen allele CA341881297.